The following is an entry in ClinVar:

ClinVar aggregate classification (germline): Uncertain significance. Review status: criteria provided, multiple submitters, no conflicts (2 of 4 stars). 3 submissions from 3 submitters: Uncertain significance (3). Last evaluated 2024-01-25.

Conditions:
Combined oxidative phosphorylation deficiency 44. Also called: FASTKD2-Related Combined Oxidative Phosphorylation Deficiency. Identifiers: MedGen C5394293, MONDO:0030020, OMIM 618855.
Inborn genetic diseases. Identifiers: MedGen C0950123, MeSH D030342.

Allele frequency attached by ClinVar (database versions not stated): gnomAD 0.00003 and 0.00004; gnomAD exomes 0.00004 and 0.00006; ExAC 0.00005; TOPMed 0.00005.

Submissions (3):

Fulgent Genetics
Classification: Uncertain significance for Combined oxidative phosphorylation deficiency 44. Last evaluated: 2024-01-25. Review status: criteria provided, single submitter. Criteria: ACMG Guidelines, 2015. Collection method: clinical testing. Allele origin: germline.

Ambry Genetics
Classification: Uncertain significance for Inborn genetic diseases. Last evaluated: 2023-12-16. Review status: criteria provided, single submitter. Criteria: Ambry Variant Classification Scheme 2023. Collection method: clinical testing. Allele origin: germline.

Labcorp Genetics (formerly Invitae), Labcorp
Classification: Uncertain significance. Last evaluated: 2022-07-05. Review status: criteria provided, single submitter. Criteria: Invitae Variant Classification Sherloc (09022015). Collection method: clinical testing. Allele origin: germline.
Comment: This sequence change replaces arginine, which is basic and polar, with glutamine, which is neutral and polar, at codon 660 of the FASTKD2 protein (p.Arg660Gln). This variant is present in population databases (rs780581465, gnomAD 0.01%). This variant has not been reported in the literature in individuals affected with FASTKD2-related conditions. ClinVar contains an entry for this variant (Variation ID: 1443878). Algorithms developed to predict the effect of missense changes on protein structure and function (SIFT, PolyPhen-2, Align-GVGD) all suggest that this variant is likely to be disruptive. In summary, the available evidence is currently insufficient to determine the role of this variant in disease. Therefore, it has been classified as a Variant of Uncertain Significance.

NM_001136193.2(FASTKD2):c.1979G>A (p.Arg660Gln)

Gene: FASTKD2 (FAST kinase domains 2; plus strand). Cytogenetic location: 2q33.3.
Variant type: single nucleotide variant.
Coding change: c.1979G>A on transcript NM_001136193.2 (MANE Select); coding-DNA position 1979, G replaced by A.
Protein change: p.Arg660Gln; replaces arginine 660 with glutamine.
Molecular consequence: missense variant.
Genome position (GRCh38, 1-based): chr2:206,790,652, G>A. VCF-style: chr2-206790652-G-A. GRCh37 (hg19) VCF-style: chr2-207655376-G-A.
Other names: c.1979G>A, p.Arg660Gln (NM_001136194.2, NM_014929.4); short protein forms R660Q.
Identifiers: ClinVar variation 1443878 (VCV001443878.8), dbSNP rs780581465, ClinGen allele CA2075330.